The following is an entry in ClinVar:

NM_001134407.3(GRIN2A):c.367C>G (p.Pro123Ala)

Gene: GRIN2A (glutamate ionotropic receptor NMDA type subunit 2A; minus strand). Cytogenetic location: 16p13.2.
Variant type: single nucleotide variant.
Coding change: c.367C>G on transcript NM_001134407.3 (MANE Select); coding-DNA position 367, C replaced by G.
Protein change: p.Pro123Ala; replaces proline 123 with alanine.
Molecular consequence: missense variant.
Genome position (GRCh38, 1-based): chr16:10,180,045, G>C on the plus strand (C>G on the coding strand, the complement: GRIN2A is on the minus strand). VCF-style: chr16-10180045-G-C. GRCh37 (hg19) VCF-style: chr16-10273902-G-C.
Other names: c.367C>G, p.Pro123Ala (NM_000833.5, NM_001134408.2); short protein forms P123A.
Identifiers: ClinVar variation 1427605 (VCV001427605.8), dbSNP rs2050228811, ClinGen allele CA394715168.

ClinVar aggregate classification (germline): Uncertain significance (1 of 4 stars; one submission).

Conditions:
Landau-Kleffner syndrome (FESD). Also called: APHASIA, ACQUIRED, WITH EPILEPSY; EPILEPSY, FOCAL, WITH SPEECH DISORDER AND WITH OR WITHOUT MENTAL RETARDATION. Identifiers: Orphanet 1945, Orphanet 725, Orphanet 98818, MedGen C0282512, MONDO:0009509, OMIM 245570.

Allele frequency attached by ClinVar (database versions not stated): TOPMed below 0.00001.

Submission:

Labcorp Genetics (formerly Invitae), Labcorp
Classification: Uncertain significance for Landau-Kleffner syndrome. Last evaluated: 2021-05-21. Review status: criteria provided, single submitter. Criteria: Invitae Variant Classification Sherloc (09022015). Collection method: clinical testing. Allele origin: germline.
Comment: In summary, the available evidence is currently insufficient to determine the role of this variant in disease. Therefore, it has been classified as a Variant of Uncertain Significance. Advanced modeling of protein sequence and biophysical properties (such as structural, functional, and spatial information, amino acid conservation, physicochemical variation, residue mobility, and thermodynamic stability) performed at Invitae indicates that this missense variant is expected to disrupt GRIN2A protein function. This variant has been observed in one or more individuals who were not affected with GRIN2A-related conditions (Invitae). This variant is not present in population databases (ExAC no frequency). This sequence change replaces proline with alanine at codon 123 of the GRIN2A protein (p.Pro123Ala). The proline residue is highly conserved and there is a small physicochemical difference between proline and alanine.